The following is an entry in ClinVar:

ClinVar aggregate classification (germline): Likely pathogenic (1 of 4 stars; one submission).

Conditions:
Ehlers-Danlos syndrome, dermatosparaxis type. Also called: Dermatosparaxis; EDS VIIC; Ehlers-Danlos syndrome, type VII, autosomal recessive. Identifiers: Orphanet 1901, MedGen C2700425, MONDO:0009161, OMIM 225410.

Submission:

Labcorp Genetics (formerly Invitae), Labcorp
Classification: Likely pathogenic for Ehlers-Danlos syndrome, dermatosparaxis type. Last evaluated: 2023-09-26. Review status: criteria provided, single submitter. Criteria: Invitae Variant Classification Sherloc (09022015). Collection method: clinical testing. Allele origin: germline.
Comment: Algorithms developed to predict the effect of sequence changes on RNA splicing suggest that this variant may disrupt the consensus splice site. In summary, the currently available evidence indicates that the variant is pathogenic, but additional data are needed to prove that conclusively. Therefore, this variant has been classified as Likely Pathogenic. This variant has not been reported in the literature in individuals affected with ADAMTS2-related conditions. This sequence change affects a donor splice site in intron 4 of the ADAMTS2 gene. It is expected to disrupt RNA splicing. Variants that disrupt the donor or acceptor splice site typically lead to a loss of protein function (PMID: 16199547), and loss-of-function variants in ADAMTS2 are known to be pathogenic (PMID: 10417273). This variant is not present in population databases (gnomAD no frequency).

Literature cited by the submitters: PubMed 16199547; PubMed 10417273.

NM_014244.5(ADAMTS2):c.891+2T>C

Gene: ADAMTS2 (ADAM metallopeptidase with thrombospondin type 1 motif 2; minus strand). Cytogenetic location: 5q35.3.
Variant type: single nucleotide variant.
Coding change: c.891+2T>C on transcript NM_014244.5 (MANE Select); the canonical splice donor site of the intron after coding-DNA position 891, T replaced by C.
Molecular consequence: splice donor variant.
Genome position (GRCh38, 1-based): chr5:179,207,511, A>G on the plus strand (T>C on the coding strand, the complement: ADAMTS2 is on the minus strand). VCF-style: chr5-179207511-A-G. GRCh37 (hg19) VCF-style: chr5-178634512-A-G.
Other names: c.891+2T>C (NM_021599.4).
Identifiers: ClinVar variation 2792533 (VCV002792533.3), dbSNP rs1217606886, ClinGen allele CA362426563.